The following is an entry in ClinVar:

ClinVar aggregate classification (germline): Uncertain significance (1 of 4 stars; one submission).

Conditions:
Ullrich congenital muscular dystrophy 2 (UCMD2). Identifiers: Orphanet 75840, MedGen C4225314, MONDO:0014654, OMIM 616470.
Bethlem myopathy 2 (BTHLM2). Identifiers: Orphanet 536516, Orphanet 610, MedGen C4225313, MONDO:0034022, OMIM 616471.

gnomAD v4.1: 1 of 1,611,786 alleles (0.000062%); highest among the groups gnomAD compares: Non-Finnish European, 0.000085%; no homozygotes.

Submission:

Labcorp Genetics (formerly Invitae), Labcorp
Classification: Uncertain significance for Bethlem myopathy 2; Ullrich congenital muscular dystrophy 2. Last evaluated: 2024-08-31. Review status: criteria provided, single submitter. Criteria: Invitae Variant Classification Sherloc (09022015). Collection method: clinical testing. Allele origin: germline.
Comment: This sequence change replaces proline, which is neutral and non-polar, with leucine, which is neutral and non-polar, at codon 51 of the COL12A1 protein (p.Pro51Leu). This variant is not present in population databases (gnomAD no frequency). This variant has not been reported in the literature in individuals affected with COL12A1-related conditions. Invitae Evidence Modeling of protein sequence and biophysical properties (such as structural, functional, and spatial information, amino acid conservation, physicochemical variation, residue mobility, and thermodynamic stability) indicates that this missense variant is not expected to disrupt COL12A1 protein function with a negative predictive value of 80%. In summary, the available evidence is currently insufficient to determine the role of this variant in disease. Therefore, it has been classified as a Variant of Uncertain Significance.

NM_004370.6(COL12A1):c.152C>T (p.Pro51Leu)

Gene: COL12A1 (collagen type XII alpha 1 chain; minus strand). Cytogenetic location: 6q13.
Variant type: single nucleotide variant.
Coding change: c.152C>T on transcript NM_004370.6 (MANE Select); coding-DNA position 152, C replaced by T.
Protein change: p.Pro51Leu; replaces proline 51 with leucine.
Molecular consequence: missense variant. On other transcripts: intron variant (2).
Genome position (GRCh38, 1-based): chr6:75,194,869, G>A on the plus strand (C>T on the coding strand, the complement: COL12A1 is on the minus strand). VCF-style: chr6-75194869-G-A. GRCh37 (hg19) VCF-style: chr6-75904585-G-A.
Other names: c.152C>T, p.Pro51Leu (NM_001424113.1, NM_001424114.1, NM_001424115.1); c.73+7851C>T (NM_001424116.1, NM_080645.3); short protein forms P51L.
Identifiers: ClinVar variation 3749421 (VCV003749421.2).